The following is an entry in ClinVar:

NM_001159773.2(CANT1):c.269C>T (p.Thr90Ile)

Gene: CANT1 (calcium activated nucleotidase 1; minus strand). Cytogenetic location: 17q25.3.
Variant type: single nucleotide variant.
Coding change: c.269C>T on transcript NM_001159773.2 (MANE Select); coding-DNA position 269, C replaced by T.
Protein change: p.Thr90Ile; replaces threonine 90 with isoleucine.
Molecular consequence: missense variant.
Genome position (GRCh38, 1-based): chr17:78,997,354, G>A on the plus strand (C>T on the coding strand, the complement: CANT1 is on the minus strand). VCF-style: chr17-78997354-G-A. GRCh37 (hg19) VCF-style: chr17-76993436-G-A.
Other names: c.269C>T, p.Thr90Ile (NM_001159772.2, NM_138793.4); c.269C>T (NM_138793.3); short protein forms T90I.
Identifiers: ClinVar variation 1487826 (VCV001487826.4), dbSNP rs372736806, ClinGen allele CA8808772.
Genomic context (GRCh38, chr17:78,997,354, plus strand): 5'-ATAACTGCGATTCGATACCGAATCCCAGCCGGTGTCCTTTGTGGGGGAGACAGGGGGTAG[G>A]TGTCATTGTACCAGTTGGCGGGCGCCTGGCCGAGCCTCCAGTTGTGTGCATTGTGGGTGG-3'
Protein context (NP_001153245.1, residues 80-100): GQAPANWYND[Thr90Ile]YPLSPPQRTP

ClinVar aggregate classification (germline): Uncertain significance. Review status: criteria provided, multiple submitters, no conflicts (2 of 4 stars). 2 submissions from 2 submitters: Uncertain significance (2). Last evaluated 2022-09-14.

Conditions:
Inborn genetic diseases. Identifiers: MedGen C0950123, MeSH D030342.

Allele frequency attached by ClinVar (database versions not stated): gnomAD exomes below 0.00001 and 0.00002; ExAC 0.00002; gnomAD 0.00007 and 0.00008; ESP Exome Variant Server 0.00008; TOPMed 0.00008.

Submissions (2):

Ambry Genetics
Classification: Uncertain significance for Inborn genetic diseases. Last evaluated: 2022-09-14. Review status: criteria provided, single submitter. Criteria: Ambry Variant Classification Scheme 2023. Collection method: clinical testing. Allele origin: germline.

Labcorp Genetics (formerly Invitae), Labcorp
Classification: Uncertain significance. Last evaluated: 2022-08-16. Review status: criteria provided, single submitter. Criteria: Invitae Variant Classification Sherloc (09022015). Collection method: clinical testing. Allele origin: germline.
Comment: This sequence change replaces threonine, which is neutral and polar, with isoleucine, which is neutral and non-polar, at codon 90 of the CANT1 protein (p.Thr90Ile). This variant is present in population databases (rs372736806, gnomAD 0.04%). This variant has not been reported in the literature in individuals affected with CANT1-related conditions. ClinVar contains an entry for this variant (Variation ID: 1487826). Algorithms developed to predict the effect of missense changes on protein structure and function are either unavailable or do not agree on the potential impact of this missense change (SIFT: "Deleterious"; PolyPhen-2: "Possibly Damaging"; Align-GVGD: "Class C0"). In summary, the available evidence is currently insufficient to determine the role of this variant in disease. Therefore, it has been classified as a Variant of Uncertain Significance.